The following is an entry in ClinVar:

NC_000016.9:g.(?_28854296)_(28857590_?)del

Gene: TUFM (Tu translation elongation factor, mitochondrial; minus strand). Cytogenetic location: 16p11.2.
Variant type: Deletion.
Identifiers: ClinVar variation 3243635 (VCV003243635.1).

ClinVar aggregate classification (germline): Pathogenic (1 of 4 stars; one submission).

Submission:

Labcorp Genetics (formerly Invitae), Labcorp
Classification: Pathogenic. Last evaluated: 2023-10-23. Review status: criteria provided, single submitter. Criteria: Invitae Variant Classification Sherloc (09022015). Collection method: clinical testing. Allele origin: unknown.
Comment: A gross deletion of the genomic region encompassing the full coding sequence of the TUFM gene has been identified. Loss-of-function variants in TUFM are known to be pathogenic (PMID: 17160893, 19524667). The boundaries of this event are unknown as they extend beyond the assayed region for this gene and therefore may encompass additional genes. Isolated whole-gene deletions of TUFM have not been reported in the literature. However, larger copy number events that include this gene have been reported (PMID: 24707176). For these reasons, this variant has been classified as Pathogenic.

Literature cited by the submitters: PubMed 17160893; PubMed 19524667; PubMed 24707176.